The following is an entry in ClinVar:

NM_001374828.1(ARID1B):c.4058+2T>C

Gene: ARID1B (AT-rich interaction domain 1B; plus strand). Cytogenetic location: 6q25.3.
Variant type: single nucleotide variant.
Coding change: c.4058+2T>C on transcript NM_001374828.1 (MANE Select); the canonical splice donor site of the intron after coding-DNA position 4058, T replaced by C.
Molecular consequence: splice donor variant.
Genome position (GRCh38, 1-based): chr6:157,189,782, T>C. VCF-style: chr6-157189782-T-C. GRCh37 (hg19) VCF-style: chr6-157510916-T-C.
Other names: c.3938+2T>C (NM_001371656.1, NM_001374820.1); c.3899+2T>C (NM_017519.3); c.1559+2T>C (NM_001363725.2).
Identifiers: ClinVar variation 3729887 (VCV003729887.2).

ClinVar aggregate classification (germline): Likely pathogenic (1 of 4 stars; one submission).

Submission:

Labcorp Genetics (formerly Invitae), Labcorp
Classification: Likely pathogenic. Last evaluated: 2024-09-11. Review status: criteria provided, single submitter. Criteria: Invitae Variant Classification Sherloc (09022015). Collection method: clinical testing. Allele origin: germline.
Comment: This sequence change affects a donor splice site in intron 14 of the ARID1B gene. It is expected to disrupt RNA splicing. Variants that disrupt the donor or acceptor splice site typically lead to a loss of protein function (PMID: 16199547), and loss-of-function variants in ARID1B are known to be pathogenic (PMID: 25674384, 30349098). This variant is not present in population databases (gnomAD no frequency). This variant has not been reported in the literature in individuals affected with ARID1B-related conditions. Algorithms developed to predict the effect of sequence changes on RNA splicing suggest that this variant may disrupt the consensus splice site. In summary, the currently available evidence indicates that the variant is pathogenic, but additional data are needed to prove that conclusively. Therefore, this variant has been classified as Likely Pathogenic.

Literature cited by the submitters: PubMed 16199547; PubMed 25674384; PubMed 30349098.